The following is an entry in ClinVar:

NM_000217.3(KCNA1):c.799A>G (p.Ile267Val)

Gene: KCNA1 (potassium voltage-gated channel subfamily A member 1; plus strand). Cytogenetic location: 12p13.32.
Variant type: single nucleotide variant.
Coding change: c.799A>G on transcript NM_000217.3 (MANE Select); coding-DNA position 799, A replaced by G.
Protein change: p.Ile267Val; replaces isoleucine 267 with valine.
Molecular consequence: missense variant.
Genome position (GRCh38, 1-based): chr12:4,912,177, A>G. VCF-style: chr12-4912177-A-G. GRCh37 (hg19) VCF-style: chr12-5021343-A-G.
Other names: c.799A>G (NM_000217.2); short protein forms I267V.
Identifiers: ClinVar variation 2693949 (VCV002693949.4), dbSNP rs2497353149, ClinGen allele CA383455367.

ClinVar aggregate classification (germline): Uncertain significance. Review status: criteria provided, multiple submitters, no conflicts (2 of 4 stars). 2 submissions from 2 submitters: Uncertain significance (2). Last evaluated 2024-07-16.

Conditions:
Inborn genetic diseases. Identifiers: MedGen C0950123, MeSH D030342.
Episodic ataxia type 1 (EA1). Also called: ATAXIA, EPISODIC, WITH MYOKYMIA; MYOKYMIA WITH PERIODIC ATAXIA; PAROXYSMAL ATAXIA WITH NEUROMYOTONIA, HEREDITARY; Episodic ataxia/myokymia syndrome. Identifiers: Orphanet 37612, Orphanet 972, MedGen C1719788, MONDO:0008047, OMIM 160120.

gnomAD v4.1: 1 of 1,612,792 alleles (0.000062%); no homozygotes.

Submissions (2):

Ambry Genetics
Classification: Uncertain significance for Inborn genetic diseases. Last evaluated: 2024-07-16. Review status: criteria provided, single submitter. Criteria: Ambry Variant Classification Scheme 2023. Collection method: clinical testing. Allele origin: germline.

Labcorp Genetics (formerly Invitae), Labcorp
Classification: Uncertain significance for Episodic ataxia type 1. Last evaluated: 2023-12-14. Review status: criteria provided, single submitter. Criteria: Invitae Variant Classification Sherloc (09022015). Collection method: clinical testing. Allele origin: germline.
Comment: This sequence change replaces isoleucine, which is neutral and non-polar, with valine, which is neutral and non-polar, at codon 267 of the KCNA1 protein (p.Ile267Val). This variant is not present in population databases (gnomAD no frequency). This variant has not been reported in the literature in individuals affected with KCNA1-related conditions. Advanced modeling of protein sequence and biophysical properties (such as structural, functional, and spatial information, amino acid conservation, physicochemical variation, residue mobility, and thermodynamic stability) performed at Invitae indicates that this missense variant is not expected to disrupt KCNA1 protein function with a negative predictive value of 80%. In summary, the available evidence is currently insufficient to determine the role of this variant in disease. Therefore, it has been classified as a Variant of Uncertain Significance.